The following is an entry in ClinVar:

NM_001447.3(FAT2):c.7216C>G (p.Pro2406Ala)

Genes: FAT2 (FAT atypical cadherin 2; minus strand), SLC36A1 (solute carrier family 36 member 1; plus strand). Cytogenetic location: 5q33.1.
Variant type: single nucleotide variant.
Coding change: c.7216C>G on transcript NM_001447.3 (MANE Select); coding-DNA position 7216, C replaced by G.
Protein change: p.Pro2406Ala; replaces proline 2406 with alanine.
Molecular consequence: missense variant.
Genome position (GRCh38, 1-based): chr5:151,543,911, G>C on the plus strand (C>G on the coding strand, the complement: FAT2 is on the minus strand). VCF-style: chr5-151543911-G-C. GRCh37 (hg19) VCF-style: chr5-150923472-G-C.
Other names: short protein forms P2406A.
Identifiers: ClinVar variation 4710249 (VCV004710249.1).
Genomic context (GRCh38, chr5:151,543,911, plus strand): 5'-GCCTGTCCTGATTGCCAGAAAGAATCAGGTACTCCAGGCGGGAGGTGTCTCTGCTGTCAG[G>C]GTCAATAGCCTGGACTTTAAGAACCAGGTGTCCACAGGTTGCCAGTTCACTGACATTGGC-3'
Protein context (NP_001438.1, residues 2396-2416): HLVLKVQAID[Pro2406Ala]DSRDTSRLEY

ClinVar aggregate classification (germline): Uncertain significance (1 of 4 stars; one submission).

gnomAD v4.1: 4 of 1,614,096 alleles (0.00025%); highest among the groups gnomAD compares: Admixed American, 0.005%; no homozygotes.

Submission:

Labcorp Genetics (formerly Invitae), Labcorp
Classification: Uncertain significance. Last evaluated: 2025-03-24. Review status: criteria provided, single submitter. Criteria: Invitae Variant Classification Sherloc (09022015). Collection method: clinical testing. Allele origin: germline.
Comment: This sequence change replaces proline, which is neutral and non-polar, with alanine, which is neutral and non-polar, at codon 2406 of the FAT2 protein (p.Pro2406Ala). This variant is present in population databases (rs754002257, gnomAD 0.009%). This variant has not been reported in the literature in individuals affected with FAT2-related conditions. An algorithm developed to predict the effect of missense changes on protein structure and function (PolyPhen-2) suggests that this variant is likely to be disruptive. In summary, the available evidence is currently insufficient to determine the role of this variant in disease. Therefore, it has been classified as a Variant of Uncertain Significance.